The following is an entry in ClinVar:

ClinVar aggregate classification (germline): Benign/Likely benign. Review status: criteria provided, multiple submitters, no conflicts (2 of 4 stars). 6 submissions from 6 submitters: Benign (2); Likely benign (3). 1 of the submissions does not count toward it. Last evaluated 2026-09-01.

Conditions:
KLHL41-related disorder. Also called: KLHL41-related condition.
Nemaline myopathy 9 (NEM9). Identifiers: MedGen C3810384, MONDO:0014326, OMIM 615731.

Allele frequency attached by ClinVar (database versions not stated): ESP Exome Variant Server 0.00100; gnomAD 0.00105; TOPMed 0.00117; gnomAD exomes 0.00177 and 0.00224; ExAC 0.00221; 1000 Genomes Project 30x 0.00281; 1000 Genomes Project 0.00339.
gnomAD v4.1: 2,829 of 1,614,058 alleles (0.18%); highest among the groups gnomAD compares: Middle Eastern, 1.8%; 25 homozygotes.

Submissions (6):

CeGaT Center for Human Genetics Tuebingen
Classification: Likely benign. Last evaluated: 2026-09-01. Review status: criteria provided, single submitter. Criteria: CeGaT Center For Human Genetics Tuebingen Variant Classification Criteria Version 2. Collection method: clinical testing. Allele origin: germline. Affected: yes. Observed: 10 variant alleles.
Comment: KLHL41: BS2

Labcorp Genetics (formerly Invitae), Labcorp
Classification: Likely benign for Nemaline myopathy 9. Last evaluated: 2026-02-01. Review status: criteria provided, single submitter. Criteria: Invitae Variant Classification Sherloc (09022015). Collection method: clinical testing. Allele origin: germline.

GeneDx
Classification: Benign. Last evaluated: 2019-03-01. Review status: criteria provided, single submitter. Criteria: GeneDx Variant Classification Process June 2021. Collection method: clinical testing. Allele origin: germline. Affected: yes.

Mayo Clinic Laboratories, Mayo Clinic
Classification: Benign. Last evaluated: 2018-11-21. Review status: criteria provided, single submitter. Criteria: ACMG Guidelines, 2015. Collection method: clinical testing. Allele origin: germline. Observed: 3 variant alleles.

Breakthrough Genomics
Classification: Likely benign. Review status: criteria provided, single submitter. Criteria: ACMG Guidelines, 2015. Collection method: not provided. Allele origin: germline. Inheritance: Autosomal recessive inheritance. Affected: yes.

PreventionGenetics, part of Exact Sciences
Classification: Likely benign for KLHL41-related condition. Last evaluated: 2019-03-01. Review status: no assertion criteria provided. Collection method: clinical testing. Allele origin: germline. Not counted in ClinVar's aggregate classification.
Comment: This variant is classified as likely benign based on ACMG/AMP sequence variant interpretation guidelines (Richards et al. 2015 PMID: 25741868, with internal and published modifications).

NM_006063.3(KLHL41):c.398G>A (p.Gly133Asp)

Gene: KLHL41 (kelch like family member 41; plus strand). Cytogenetic location: 2q31.1.
Variant type: single nucleotide variant.
Coding change: c.398G>A on transcript NM_006063.3 (MANE Select); coding-DNA position 398, G replaced by A.
Protein change: p.Gly133Asp; replaces glycine 133 with aspartic acid.
Molecular consequence: missense variant.
Genome position (GRCh38, 1-based): chr2:169,510,176, G>A. VCF-style: chr2-169510176-G-A. GRCh37 (hg19) VCF-style: chr2-170366686-G-A.
Other names: p.Gly133Asp; short protein forms G133D.
Identifiers: ClinVar variation 474871 (VCV000474871.51), dbSNP rs147294651, ClinGen allele CA1956495.
Genomic context (GRCh38, chr2:169,510,176, plus strand): 5'-TTCAGATCCCCTCAGTGTTTACTGTCTGCGTTTCTTATCTTCAGAAAAGACTTGCTCCTG[G>A]TAACTGTCTAGCCATCCTAAGATTAGGACTTCTTCTTGACTGCCCGAGACTCGCCATTTC-3'
Protein context (NP_006054.2, residues 123-143): VSYLQKRLAP[Gly133Asp]NCLAILRLGL